The following is an entry in ClinVar:

NM_001363118.2(SLC52A2):c.353C>A (p.Ala118Asp)

Gene: SLC52A2 (solute carrier family 52 member 2; plus strand). Cytogenetic location: 8q24.3.
Variant type: single nucleotide variant.
Coding change: c.353C>A on transcript NM_001363118.2 (MANE Select); coding-DNA position 353, C replaced by A.
Protein change: p.Ala118Asp; replaces alanine 118 with aspartic acid.
Molecular consequence: missense variant. On other transcripts: non-coding transcript variant (1), intron variant (1).
Genome position (GRCh38, 1-based): chr8:144,359,845, C>A. VCF-style: chr8-144359845-C-A. GRCh37 (hg19) VCF-style: chr8-145583505-C-A.
Other names: c.353C>A, p.Ala118Asp (NM_001253815.2, NM_001253816.2, NM_001363120.2 and 2 more transcripts); c.131-270C>A (NM_001363122.2); c.353C>A (NM_001253816.1); short protein forms A118D.
Identifiers: ClinVar variation 372996 (VCV000372996.55), dbSNP rs117500243, ClinGen allele CA4938170.

ClinVar aggregate classification (germline): Benign/Likely benign. Review status: criteria provided, multiple submitters, no conflicts (2 of 4 stars). 14 submissions from 13 submitters: Benign (2); Likely benign (7). 5 of the submissions do not count toward it. Last evaluated 2026-01-26.

Conditions:
Inborn genetic diseases. Identifiers: MedGen C0950123, MeSH D030342.
Brown-Vialetto-van Laere syndrome 2. Also called: Riboflavin transporter deficiency type 2; SPINOCEREBELLAR ATAXIA WITH BLINDNESS AND DEAFNESS 2. Identifiers: Orphanet 572543, Orphanet 97229, MedGen C3553538, MONDO:0013867, OMIM 614707.
SLC52A2-related disorder. Also called: SLC52A2-related condition.

Allele frequency attached by ClinVar (database versions not stated): 1000 Genomes Project 0.00140; TOPMed 0.00305; 1000 Genomes Project 30x 0.00156; ESP Exome Variant Server 0.00308.
gnomAD v4.1: 6,408 of 1,613,714 alleles (0.4%); highest among the groups gnomAD compares: Middle Eastern, 0.69%; 22 homozygotes.

Submissions (14):

Labcorp Genetics (formerly Invitae), Labcorp
Classification: Benign for Brown-Vialetto-van Laere syndrome 2. Last evaluated: 2026-01-26. Review status: criteria provided, single submitter. Criteria: Invitae Variant Classification Sherloc (09022015). Collection method: clinical testing. Allele origin: germline.

CeGaT Center for Human Genetics Tuebingen
Classification: Likely benign. Last evaluated: 2026-01-01. Review status: criteria provided, single submitter. Criteria: CeGaT Center For Human Genetics Tuebingen Variant Classification Criteria Version 2. Collection method: clinical testing. Allele origin: germline. Affected: yes. Observed: 8 variant alleles.
Comment: SLC52A2: BP4, BS2

Blueprint Genetics
Classification: Likely benign. Last evaluated: 2024-11-26. Review status: criteria provided, single submitter. Criteria: ACMG Guidelines, 2015. Collection method: clinical testing. Allele origin: germline.

ARUP Laboratories, Molecular Genetics and Genomics, ARUP Laboratories
Classification: Likely benign for Brown-Vialetto-van Laere syndrome 2. Last evaluated: 2023-11-03. Review status: criteria provided, single submitter. Criteria: ARUP Molecular Germline Variant Investigation Process 2024. Collection method: clinical testing. Allele origin: germline.

GeneDx
Classification: Likely benign. Last evaluated: 2022-06-22. Review status: criteria provided, single submitter. Criteria: GeneDx Variant Classification Process June 2021. Collection method: clinical testing. Allele origin: germline. Affected: yes.
Comment: See Variant Classification Assertion Criteria.

Mayo Clinic Laboratories, Mayo Clinic
Classification: Benign. Last evaluated: 2021-02-04. Review status: criteria provided, single submitter. Criteria: ACMG Guidelines, 2015. Collection method: clinical testing. Allele origin: germline. Observed: 21 variant alleles.

Ambry Genetics
Classification: Likely benign for Inborn genetic diseases. Last evaluated: 2019-07-23. Review status: criteria provided, single submitter. Criteria: Ambry Variant Classification Scheme 2023. Collection method: clinical testing. Allele origin: germline.

Mendelics
Classification: Likely benign for Brown-Vialetto-van Laere syndrome 2. Last evaluated: 2019-05-28. Review status: criteria provided, single submitter. Criteria: Mendelics Assertion Criteria 2017. Collection method: clinical testing. Allele origin: unknown.

Laboratory for Molecular Medicine, Mass General Brigham Personalized Medicine
Classification: Likely benign. Last evaluated: 2017-08-23. Review status: criteria provided, single submitter. Criteria: LMM Criteria. Collection method: clinical testing. Allele origin: germline. Observed: 2 variant alleles.
Comment: p.Ala118Asp in exon 3 of SLC52A2: This variant is not expected to have clinical significance because it has been identified in 0.46% (303/66400) of European chr omosomes by the Exome Aggregation Consortium (ExAC, rg; dbSNP rs117500243).

PreventionGenetics, part of Exact Sciences
Classification: Benign for SLC52A2-related condition. Last evaluated: 2021-08-24. Review status: no assertion criteria provided. Collection method: clinical testing. Allele origin: germline. Not counted in ClinVar's aggregate classification.
Comment: This variant is classified as benign based on ACMG/AMP sequence variant interpretation guidelines (Richards et al. 2015 PMID: 25741868, with internal and published modifications).

Clinical Genetics DNA and cytogenetics Diagnostics Lab, Erasmus MC, Erasmus Medical Center
Classification: Likely benign. Review status: no assertion criteria provided. Collection method: clinical testing. Allele origin: germline. Affected: yes. Study: VKGL Data-share Consensus. Not counted in ClinVar's aggregate classification.

Clinical Genetics, Academic Medical Center
Classification: Likely benign. Review status: no assertion criteria provided. Collection method: clinical testing. Allele origin: germline. Affected: yes. Study: VKGL Data-share Consensus. Not counted in ClinVar's aggregate classification.

Diagnostic Laboratory, Department of Genetics, University Medical Center Groningen
Classification: Likely benign. Review status: no assertion criteria provided. Collection method: clinical testing. Allele origin: germline. Affected: yes. Study: VKGL Data-share Consensus. Not counted in ClinVar's aggregate classification.

GeneDx
Classification: Uncertain significance. Last evaluated: 2016-07-25. Review status: flagged submission. Criteria: GeneDx Variant Classification (06012015). Collection method: clinical testing. Allele origin: germline. Affected: yes. Not counted in ClinVar's aggregate classification.
Comment: A variant of uncertain significance has been identified in the SLC52A2 gene. The A118D variant has been reported previously as a benign variant; however, additional information was not provided (Yonezawa et al., 2013). The A118D variant is observed in 303/66400 (0.5%) alleles from individuals of European background (Lek et al., 2016; 1000 Genomes Consortium et al., 2015; Exome Variant Server). The A118D variant is a non-conservative amino acid substitution, which is likely to impact secondary protein structure as these residues differ in polarity, charge, size and/or other properties. However, this substitution occurs at a position that is not conserved. In silico analysis is inconsistent in its predictions as to whether or not the variant is damaging to the protein structure/function. Therefore, based on the currently available information, it is unclear whether this variant is a pathogenic variant or a rare benign variant.
ClinVar note: Reason: This record appears to be redundant with a more recent record from the same submitter.
ClinVar note: Notes: SCV000491542 appears to be redundant with SCV001787735.